The following is an entry in ClinVar:

ClinVar aggregate classification (germline): Conflicting classifications of pathogenicity. Review status: criteria provided, conflicting classifications (1 of 4 stars). 2 submissions from 2 submitters: Uncertain significance (1); Likely benign (1). Last evaluated 2025-10-15.

Conditions:
Inborn genetic diseases. Identifiers: MedGen C0950123, MeSH D030342.

Allele frequency attached by ClinVar (database versions not stated): ExAC 0.00003; gnomAD 0.00004.

Submissions (2):

Ambry Genetics
Classification: Uncertain significance for Inborn genetic diseases. Last evaluated: 2025-10-15. Review status: criteria provided, single submitter. Criteria: Ambry Variant Classification Scheme 2023. Collection method: clinical testing. Allele origin: germline.

CeGaT Center for Human Genetics Tuebingen
Classification: Likely benign. Last evaluated: 2024-03-01. Review status: criteria provided, single submitter. Criteria: CeGaT Center For Human Genetics Tuebingen Variant Classification Criteria Version 2. Collection method: clinical testing. Allele origin: germline. Affected: yes. Observed: 1 variant allele.
Comment: MKRN3: BP4

NM_005664.4(MKRN3):c.152C>T (p.Ala51Val)

Gene: MKRN3 (makorin ring finger protein 3; plus strand). Cytogenetic location: 15q11.2.
Variant type: single nucleotide variant.
Coding change: c.152C>T on transcript NM_005664.4 (MANE Select); coding-DNA position 152, C replaced by T.
Protein change: p.Ala51Val; replaces alanine 51 with valine.
Molecular consequence: missense variant.
Genome position (GRCh38, 1-based): chr15:23,565,934, C>T. VCF-style: chr15-23565934-C-T. GRCh37 (hg19) VCF-style: chr15-23811081-C-T.
Other names: short protein forms A51V.
Identifiers: ClinVar variation 2372838 (VCV002372838.24), dbSNP rs772391409, ClinGen allele CA7429296.
Genomic context (GRCh38, chr15:23,565,934, plus strand): 5'-ACCTTCCCGTCTGTGAGCCCTCCGGGGAATCTGCTGCTCCAGATTCAGCCCTGCCACATG[C>T]GGCAAGGGGCTGGGCCCCCTTCCCTGTAGCTCCAGTCCCTGCCCACCTCCGCAGAGGAGG-3'
Protein context (NP_005655.1, residues 41-61): SAAPDSALPH[Ala51Val]ARGWAPFPVA